The following is an entry in ClinVar:

NM_000057.4(BLM):c.2216G>A (p.Gly739Asp)

Gene: BLM (BLM RecQ like helicase; plus strand). Cytogenetic location: 15q26.1.
Variant type: single nucleotide variant.
Coding change: c.2216G>A on transcript NM_000057.4 (MANE Select); coding-DNA position 2216, G replaced by A.
Protein change: p.Gly739Asp; replaces glycine 739 with aspartic acid.
Molecular consequence: missense variant.
Genome position (GRCh38, 1-based): chr15:90,766,932, G>A. VCF-style: chr15-90766932-G-A. GRCh37 (hg19) VCF-style: chr15-91310162-G-A.
Other names: c.2216G>A, p.Gly739Asp (NM_001287246.2, NM_001287247.2); c.1091G>A, p.Gly364Asp (NM_001287248.2); short protein forms G364D, G739D.
Identifiers: ClinVar variation 3480826 (VCV003480826.3).

ClinVar aggregate classification (germline): Conflicting classifications of pathogenicity. Review status: criteria provided, conflicting classifications (1 of 4 stars). 2 submissions from 2 submitters: Uncertain significance (1); Benign (1). Last evaluated 2024-11-13.

Conditions:
Bloom syndrome (BLM). Also called: Bloom-Torre-Machacek syndrome. Identifiers: Orphanet 125, MedGen C0005859, MONDO:0008876, OMIM 210900.
Hereditary cancer-predisposing syndrome. Also called: Tumor predisposition; Neoplastic Syndromes, Hereditary; Hereditary neoplastic syndrome; Hereditary Cancer Syndrome. Identifiers: Orphanet 140162, MedGen C0027672, MeSH D009386, MONDO:0015356.

Submissions (2):

Labcorp Genetics (formerly Invitae), Labcorp
Classification: Benign for Bloom syndrome. Last evaluated: 2024-11-13. Review status: criteria provided, single submitter. Criteria: Invitae Variant Classification Sherloc (09022015). Collection method: clinical testing. Allele origin: germline.

Ambry Genetics
Classification: Uncertain significance for Hereditary cancer-predisposing syndrome. Last evaluated: 2024-08-12. Review status: criteria provided, single submitter. Criteria: Ambry Variant Classification Scheme 2023. Collection method: clinical testing. Allele origin: germline.
Comment: The p.G739D variant (also known as c.2216G>A), located in coding exon 9 of the BLM gene, results from a G to A substitution at nucleotide position 2216. The glycine at codon 739 is replaced by aspartic acid, an amino acid with similar properties. This amino acid position is conserved. In addition, this alteration is predicted to be deleterious by in silico analysis. Based on the available evidence, the clinical significance of this variant remains unclear.